The following is an entry in ClinVar:

ClinVar aggregate classification (germline): Pathogenic (1 of 4 stars; one submission).

Submission:

Labcorp Genetics (formerly Invitae), Labcorp
Classification: Pathogenic. Last evaluated: 2024-08-19. Review status: criteria provided, single submitter. Criteria: Invitae Variant Classification Sherloc (09022015). Collection method: clinical testing. Allele origin: germline.
Comment: This sequence change creates a premature translational stop signal (p.Ser872*) in the DNAH9 gene. It is expected to result in an absent or disrupted protein product. Loss-of-function variants in DNAH9 are known to be pathogenic (PMID: 30471718). This variant is not present in population databases (gnomAD no frequency). This variant has not been reported in the literature in individuals affected with DNAH9-related conditions. For these reasons, this variant has been classified as Pathogenic.

Literature cited by the submitters: PubMed 30471718.

NM_001372.4(DNAH9):c.2615C>A (p.Ser872Ter)

Gene: DNAH9 (dynein axonemal heavy chain 9; plus strand). Cytogenetic location: 17p12.
Variant type: single nucleotide variant.
Coding change: c.2615C>A on transcript NM_001372.4 (MANE Select); coding-DNA position 2615, C replaced by A.
Protein change: p.Ser872Ter; replaces serine 872 with a stop codon.
Molecular consequence: nonsense.
Genome position (GRCh38, 1-based): chr17:11,664,852, C>A. VCF-style: chr17-11664852-C-A. GRCh37 (hg19) VCF-style: chr17-11568169-C-A.
Other names: short protein forms S872*.
Identifiers: ClinVar variation 3680731 (VCV003680731.2).